The following is an entry in ClinVar:

ClinVar aggregate classification (germline): Uncertain significance. Review status: criteria provided, multiple submitters, no conflicts (2 of 4 stars). 2 submissions from 2 submitters: Uncertain significance (2). Last evaluated 2022-06-19.

Conditions:
Charcot-Marie-Tooth disease axonal type 2C (HMSN2C). Also called: CHARCOT-MARIE-TOOTH DISEASE, AXONAL, AUTOSOMAL DOMINANT, TYPE 2C; Charcot-Marie-Tooth Neuropathy Type 2C; Charcot-Marie-Tooth Disease Type 2, TRPV4-Related (CMT2C). Identifiers: Orphanet 99937, MedGen C1853710, MONDO:0011633, OMIM 606071.

Submissions (2):

Labcorp Genetics (formerly Invitae), Labcorp
Classification: Uncertain significance for Charcot-Marie-Tooth disease axonal type 2C. Last evaluated: 2022-06-19. Review status: criteria provided, single submitter. Criteria: Invitae Variant Classification Sherloc (09022015). Collection method: clinical testing. Allele origin: germline.
Comment: Advanced modeling of protein sequence and biophysical properties (such as structural, functional, and spatial information, amino acid conservation, physicochemical variation, residue mobility, and thermodynamic stability) performed at Invitae indicates that this missense variant is expected to disrupt TRPV4 protein function. ClinVar contains an entry for this variant (Variation ID: 1317077). This variant has not been reported in the literature in individuals affected with TRPV4-related conditions. This variant is not present in population databases (gnomAD no frequency). This sequence change replaces serine, which is neutral and polar, with proline, which is neutral and non-polar, at codon 548 of the TRPV4 protein (p.Ser548Pro). In summary, the available evidence is currently insufficient to determine the role of this variant in disease. Therefore, it has been classified as a Variant of Uncertain Significance.

GeneDx
Classification: Uncertain significance. Last evaluated: 2019-06-19. Review status: criteria provided, single submitter. Criteria: GeneDx Variant Classification Process June 2021. Collection method: clinical testing. Allele origin: germline. Affected: yes.
Comment: Not observed in large population cohorts (Lek et al., 2016); In silico analysis, which includes protein predictors and evolutionary conservation, supports that this variant does not alter protein structure/function; Has not been previously published as pathogenic or benign to our knowledge

NM_021625.5(TRPV4):c.1642T>C (p.Ser548Pro)

Gene: TRPV4 (transient receptor potential cation channel subfamily V member 4; minus strand). Cytogenetic location: 12q24.11.
Variant type: single nucleotide variant.
Coding change: c.1642T>C on transcript NM_021625.5 (MANE Select); coding-DNA position 1642, T replaced by C.
Protein change: p.Ser548Pro; replaces serine 548 with proline.
Molecular consequence: missense variant.
Genome position (GRCh38, 1-based): chr12:109,793,543, A>G on the plus strand (T>C on the coding strand, the complement: TRPV4 is on the minus strand). VCF-style: chr12-109793543-A-G. GRCh37 (hg19) VCF-style: chr12-110231348-A-G.
Other names: c.1462T>C, p.Ser488Pro (NM_147204.3); c.1501T>C, p.Ser501Pro (NM_001177428.2); c.1540T>C, p.Ser514Pro (NM_001177431.2); c.1321T>C, p.Ser441Pro (NM_001177433.2); short protein forms S441P, S488P, S501P, S514P, S548P.
Identifiers: ClinVar variation 1317077 (VCV001317077.6), dbSNP rs2136474950, ClinGen allele CA386651571.
Genomic context (GRCh38, chr12:109,793,543, plus strand): 5'-ACCTTCCTCACCCAGAAGCTGCCGGCCCAGGGACCTCTACTCACTAGAGCAGCTGGAAGG[A>G]GCCATCAATGAAGAGAGAATTCACTCCAGGGCATTTCTTCATGAACAAGTCTTTGATCTG-3'
Protein context (NP_067638.3, residues 538-558): PGVNSLFIDG[Ser548Pro]FQLLYFIYSV